The following is an entry in ClinVar:

NM_032119.4(ADGRV1):c.11480A>T (p.Asp3827Val)

Gene: ADGRV1 (adhesion G protein-coupled receptor V1; plus strand). Cytogenetic location: 5q14.3.
Variant type: single nucleotide variant.
Coding change: c.11480A>T on transcript NM_032119.4 (MANE Select); coding-DNA position 11480, A replaced by T.
Protein change: p.Asp3827Val; replaces aspartic acid 3827 with valine.
Molecular consequence: missense variant. On other transcripts: non-coding transcript variant (1).
Genome position (GRCh38, 1-based): chr5:90,755,085, A>T. VCF-style: chr5-90755085-A-T. GRCh37 (hg19) VCF-style: chr5-90050902-A-T.
Other names: short protein forms D3827V.
Identifiers: ClinVar variation 1509879 (VCV001509879.8), dbSNP rs1755687174, ClinGen allele CA360366809.
Genomic context (GRCh38, chr5:90,755,085, plus strand): 5'-GACTACTTGGGGATATTGCCATTCACTTGAGAGCTCAACCCAATTTCTTACTGCATGTCG[A>T]TAATCAAGCTACTGAGAATGAAGATTATGTATTGCAAGAAACAATAATAATAATGAAAGA-3'
Protein context (NP_115495.3, residues 3817-3837): RAQPNFLLHV[Asp3827Val]NQATENEDYV

ClinVar aggregate classification (germline): Uncertain significance (1 of 4 stars; one submission).

Allele frequency attached by ClinVar (database versions not stated): gnomAD exomes below 0.00001; TOPMed below 0.00001; gnomAD 0.00001.
gnomAD v4.1: 3 of 1,610,554 alleles (0.00019%); highest among the groups gnomAD compares: Non-Finnish European, 0.00025%; no homozygotes.

Submission:

Labcorp Genetics (formerly Invitae), Labcorp
Classification: Uncertain significance. Last evaluated: 2024-12-09. Review status: criteria provided, single submitter. Criteria: Invitae Variant Classification Sherloc (09022015). Collection method: clinical testing. Allele origin: germline.
Comment: This sequence change replaces aspartic acid, which is acidic and polar, with valine, which is neutral and non-polar, at codon 3827 of the ADGRV1 protein (p.Asp3827Val). This variant is not present in population databases (gnomAD no frequency). This variant has not been reported in the literature in individuals affected with ADGRV1-related conditions. ClinVar contains an entry for this variant (Variation ID: 1509879). Invitae Evidence Modeling of protein sequence and biophysical properties (such as structural, functional, and spatial information, amino acid conservation, physicochemical variation, residue mobility, and thermodynamic stability) indicates that this missense variant is not expected to disrupt ADGRV1 protein function with a negative predictive value of 95%. In summary, the available evidence is currently insufficient to determine the role of this variant in disease. Therefore, it has been classified as a Variant of Uncertain Significance.